The following is an entry in ClinVar:

ClinVar aggregate classification (germline): Likely pathogenic (1 of 4 stars; one submission).

Conditions:
LZTR1-related schwannomatosis. Also called: Schwannomatosis-2, susceptibility to; Schwannomatosis 2. Identifiers: Orphanet 93921, MedGen C3810283, MONDO:0014299, OMIM 615670.
Noonan syndrome 10 (NS10). Identifiers: Orphanet 648, MedGen C4225280, MONDO:0014693, OMIM 616564.
Noonan syndrome 2 (NS2). Identifiers: Orphanet 648, MedGen C1854469, MONDO:0011531, OMIM 605275.

Submission:

Juno Genomics, Hangzhou Juno Genomics, Inc
Classification: Likely pathogenic for LZTR1-related schwannomatosis; Noonan syndrome 10; Noonan syndrome 2. Review status: criteria provided, single submitter. Criteria: ACMG Guidelines, 2015. Collection method: clinical testing. Allele origin: germline.
Comment: Absent from controls (or at extremely low frequency if recessive) in Genome Aggregation Database.;Null variant in a gene where loss of function (LOF) is a known mechanism of disease.

NM_006767.4(LZTR1):c.1334_1335del (p.Val445fs)

Gene: LZTR1 (leucine zipper like post translational regulator 1; plus strand). Cytogenetic location: 22q11.21.
Variant type: Deletion.
Coding change: c.1334_1335del on transcript NM_006767.4 (MANE Select); coding-DNA positions 1334 to 1335, 2 bases deleted (TG; older notation c.1334_1335delTG).
Protein change: p.Val445fs; shifts the reading frame from valine 445.
Molecular consequence: frameshift variant.
Genome position (GRCh38, 1-based): chr22:20,993,735-20,993,736, TG deleted; deleting any 2 consecutive bases within chr22:20,993,734-20,993,736 gives the same sequence; the c. name uses the placement nearest the transcript's 3' end. VCF-style (leftmost placement, unchanged base first): chr22-20993733-CGT-C. GRCh37 (hg19) VCF-style: chr22-21348022-CGT-C.
Other names: short protein forms V445fs.
Identifiers: ClinVar variation 5037993 (VCV005037993.2).